The following is an entry in ClinVar:

NM_005220.3(DLX3):c.701C>T (p.Pro234Leu)

Gene: DLX3 (distal-less homeobox 3; minus strand). Cytogenetic location: 17q21.33.
Variant type: single nucleotide variant.
Coding change: c.701C>T on transcript NM_005220.3 (MANE Select); coding-DNA position 701, C replaced by T.
Protein change: p.Pro234Leu; replaces proline 234 with leucine.
Molecular consequence: missense variant.
Genome position (GRCh38, 1-based): chr17:49,991,680, G>A on the plus strand (C>T on the coding strand, the complement: DLX3 is on the minus strand). VCF-style: chr17-49991680-G-A. GRCh37 (hg19) VCF-style: chr17-48069044-G-A.
Other names: short protein forms P234L.
Identifiers: ClinVar variation 2962095 (VCV002962095.3), dbSNP rs766585893, ClinGen allele CA8640959.

ClinVar aggregate classification (germline): Uncertain significance (1 of 4 stars; one submission).

Allele frequency attached by ClinVar (database versions not stated): TOPMed 0.00002; ExAC 0.00003; gnomAD 0.00003.
gnomAD v4.1: 12 of 1,613,110 alleles (0.00074%); highest among the groups gnomAD compares: African/African-American, 0.0093%; no homozygotes.

Submission:

Labcorp Genetics (formerly Invitae), Labcorp
Classification: Uncertain significance. Last evaluated: 2023-03-02. Review status: criteria provided, single submitter. Criteria: Invitae Variant Classification Sherloc (09022015). Collection method: clinical testing. Allele origin: germline.
Comment: In summary, the available evidence is currently insufficient to determine the role of this variant in disease. Therefore, it has been classified as a Variant of Uncertain Significance. Advanced modeling of protein sequence and biophysical properties (such as structural, functional, and spatial information, amino acid conservation, physicochemical variation, residue mobility, and thermodynamic stability) performed at Invitae indicates that this missense variant is not expected to disrupt DLX3 protein function. This variant has not been reported in the literature in individuals affected with DLX3-related conditions. This variant is present in population databases (rs766585893, gnomAD 0.01%). This sequence change replaces proline, which is neutral and non-polar, with leucine, which is neutral and non-polar, at codon 234 of the DLX3 protein (p.Pro234Leu).